The following is an entry in ClinVar:

NM_001286.5(CLCN6):c.1927G>A (p.Glu643Lys)

Gene: CLCN6 (chloride voltage-gated channel 6; plus strand). Cytogenetic location: 1p36.22.
Variant type: single nucleotide variant.
Coding change: c.1927G>A on transcript NM_001286.5 (MANE Select); coding-DNA position 1927, G replaced by A.
Protein change: p.Glu643Lys; replaces glutamic acid 643 with lysine.
Molecular consequence: missense variant. On other transcripts: non-coding transcript variant (1).
Genome position (GRCh38, 1-based): chr1:11,836,100, G>A. VCF-style: chr1-11836100-G-A. GRCh37 (hg19) VCF-style: chr1-11896157-G-A.
Other names: c.1861G>A, p.Glu621Lys (NM_001256959.2); short protein forms E621K, E643K.
Identifiers: ClinVar variation 4748307 (VCV004748307.1).

ClinVar aggregate classification (germline): Uncertain significance (1 of 4 stars; one submission).

gnomAD v4.1: 7 of 1,613,800 alleles (0.00043%); highest among the groups gnomAD compares: Admixed American, 0.005%; no homozygotes.

Submission:

Labcorp Genetics (formerly Invitae), Labcorp
Classification: Uncertain significance. Last evaluated: 2025-11-21. Review status: criteria provided, single submitter. Criteria: Invitae Variant Classification Sherloc (09022015). Collection method: clinical testing. Allele origin: germline.
Comment: This sequence change replaces glutamic acid, which is acidic and polar, with lysine, which is basic and polar, at codon 643 of the CLCN6 protein (p.Glu643Lys). This variant is present in population databases (no rsID available, gnomAD 0.006%). This variant has not been reported in the literature in individuals affected with CLCN6-related conditions. An algorithm developed to predict the effect of missense changes on protein structure and function (PolyPhen-2) suggests that this variant is likely to be disruptive. In summary, the available evidence is currently insufficient to determine the role of this variant in disease. Therefore, it has been classified as a Variant of Uncertain Significance.